The following is an entry in ClinVar:

ClinVar aggregate classification (germline): Uncertain significance (1 of 4 stars; one submission).

Conditions:
Warsaw breakage syndrome (WABS). Also called: DDX11-Related Cohesinopathy. Identifiers: Orphanet 280558, MedGen C3150658, MONDO:0013252, OMIM 613398.

gnomAD v4.1: 25 of 1,611,744 alleles (0.0016%); highest among the groups gnomAD compares: Admixed American, 0.01%; no homozygotes.

Submission:

Laboratorio de Genetica e Diagnostico Molecular, Hospital Israelita Albert Einstein
Classification: Uncertain significance for Warsaw breakage syndrome. Last evaluated: 2023-07-23. Review status: criteria provided, single submitter. Criteria: ACMG Guidelines, 2015. Collection method: clinical testing. Allele origin: germline. Affected: yes.
Comment: ACMG classification criteria: PM2 supporting, BP4 supporting

NM_030653.4(DDX11):c.136A>G (p.Thr46Ala)

Gene: DDX11 (DEAD/H-box helicase 11; plus strand). Cytogenetic location: 12p11.21.
Variant type: single nucleotide variant.
Coding change: c.136A>G on transcript NM_030653.4 (MANE Select); coding-DNA position 136, A replaced by G.
Protein change: p.Thr46Ala; replaces threonine 46 with alanine.
Molecular consequence: missense variant. On other transcripts: 5 prime UTR variant (4), non-coding transcript variant (4), intron variant (1).
Genome position (GRCh38, 1-based): chr12:31,078,529, A>G. VCF-style: chr12-31078529-A-G. GRCh37 (hg19) VCF-style: chr12-31231463-A-G.
Other names: c.136A>G, p.Thr46Ala (NM_001257144.2, NM_001413692.1, NM_001413693.1 and 6 more transcripts); c.58A>G, p.Thr20Ala (NM_001257145.2, NM_001413697.1, NM_001413698.1 and 1 more transcripts); c.-239A>G (NM_001413702.1); c.-925A>G (NM_001413704.1, NM_001413705.1); c.-743A>G (NM_001413706.1); c.-385+4202A>G (NM_001413703.1); short protein forms T20A, T46A.
Identifiers: ClinVar variation 3901940 (VCV003901940.1).